The following is an entry in ClinVar:

NM_152383.5(DIS3L2):c.2441C>T (p.Pro814Leu)

Gene: DIS3L2 (DIS3 like 3'-5' exoribonuclease 2; plus strand). Cytogenetic location: 2q37.1.
Variant type: single nucleotide variant.
Coding change: c.2441C>T on transcript NM_152383.5 (MANE Select); coding-DNA position 2441, C replaced by T.
Protein change: p.Pro814Leu; replaces proline 814 with leucine.
Molecular consequence: missense variant. On other transcripts: non-coding transcript variant (2), intron variant (1).
Genome position (GRCh38, 1-based): chr2:232,335,819, C>T. VCF-style: chr2-232335819-C-T. GRCh37 (hg19) VCF-style: chr2-233200529-C-T.
Other names: c.1582-7526C>T (NM_001257281.2); short protein forms P814L.
Identifiers: ClinVar variation 652731 (VCV000652731.9), dbSNP rs750177609, ClinGen allele CA2164549.

ClinVar aggregate classification (germline): Uncertain significance. Review status: criteria provided, multiple submitters, no conflicts (2 of 4 stars). 2 submissions from 2 submitters: Uncertain significance (2). Last evaluated 2025-08-31.

Conditions:
Perlman syndrome (PRLMNS). Identifiers: Orphanet 2849, MedGen C0796113, MONDO:0009965, OMIM 267000.
Inborn genetic diseases. Identifiers: MedGen C0950123, MeSH D030342.

Allele frequency attached by ClinVar (database versions not stated): gnomAD exomes 0.00001; ExAC 0.00005.

Submissions (2):

Ambry Genetics
Classification: Uncertain significance for Inborn genetic diseases. Last evaluated: 2025-08-31. Review status: criteria provided, single submitter. Criteria: Ambry Variant Classification Scheme 2023. Collection method: clinical testing. Allele origin: germline.

Labcorp Genetics (formerly Invitae), Labcorp
Classification: Uncertain significance for Perlman syndrome. Last evaluated: 2025-04-30. Review status: criteria provided, single submitter. Criteria: Invitae Variant Classification Sherloc (09022015). Collection method: clinical testing. Allele origin: germline.
Comment: This sequence change replaces proline, which is neutral and non-polar, with leucine, which is neutral and non-polar, at codon 814 of the DIS3L2 protein (p.Pro814Leu). This variant is present in population databases (rs750177609, gnomAD 0.009%). This variant has not been reported in the literature in individuals affected with DIS3L2-related conditions. ClinVar contains an entry for this variant (Variation ID: 652731). An algorithm developed to predict the effect of missense changes on protein structure and function (PolyPhen-2) suggests that this variant is likely to be disruptive. In summary, the available evidence is currently insufficient to determine the role of this variant in disease. Therefore, it has been classified as a Variant of Uncertain Significance.